The following is an entry in ClinVar:

ClinVar aggregate classification (germline): Uncertain significance. Review status: criteria provided, multiple submitters, no conflicts (2 of 4 stars). 2 submissions from 2 submitters: Uncertain significance (2). Last evaluated 2026-08-06.

gnomAD v4.1: 24 of 1,611,942 alleles (0.0015%); highest among the groups gnomAD compares: Admixed American, 0.02%; no homozygotes.

Submissions (2):

OLLIN Analises Genomicas, OLLIN
Classification: Uncertain significance. Last evaluated: 2026-08-06. Review status: criteria provided, single submitter. Criteria: ACMG Guidelines 2015 PMID 25741868. Collection method: clinical testing. Allele origin: germline.
Comment: This missense variant, located in exon 17 (of 18), has been reported in ClinVar (accession VCV002394535.2) and in gnomAD with an allele frequency of 0.0015%. However, to our knowledge, it has not been reported in the scientific literature. In silico analysis predicts that this variant has a tolerated effect. According to the currently available evidence, this variant has been classified as uncertain significance (BP4_M).

Ambry Genetics
Classification: Uncertain significance. Last evaluated: 2021-08-16. Review status: criteria provided, single submitter. Criteria: Ambry Variant Classification Scheme 2023. Collection method: clinical testing. Allele origin: germline.

NM_213594.3(RFX4):c.1865C>T (p.Pro622Leu)

Genes: RFX4 (regulatory factor X4; plus strand), RFX4-AS1 (RFX4 antisense RNA 1; minus strand). Cytogenetic location: 12q23.3.
Variant type: single nucleotide variant.
Coding change: c.1865C>T on transcript NM_213594.3 (MANE Select); coding-DNA position 1865, C replaced by T.
Protein change: p.Pro622Leu; replaces proline 622 with leucine.
Molecular consequence: missense variant.
Genome position (GRCh38, 1-based): chr12:106,750,723, C>T. VCF-style: chr12-106750723-C-T. GRCh37 (hg19) VCF-style: chr12-107144501-C-T.
Other names: c.1892C>T, p.Pro631Leu (NM_001206691.2); c.1583C>T, p.Pro528Leu (NM_032491.6); short protein forms P528L, P631L, P622L.
Identifiers: ClinVar variation 2394535 (VCV002394535.3), dbSNP rs144189511, ClinGen allele CA6763182.